The following is an entry in ClinVar:

NM_152447.5(LRFN5):c.1566T>C (p.Ser522=)

Gene: LRFN5 (leucine rich repeat and fibronectin type III domain containing 5; plus strand). Cytogenetic location: 14q21.1.
Variant type: single nucleotide variant.
Coding change: c.1566T>C on transcript NM_152447.5 (MANE Select); coding-DNA position 1566, T replaced by C.
Protein change: p.Ser522=; no amino-acid change (serine 522 retained).
Molecular consequence: synonymous variant. On other transcripts: non-coding transcript variant (2), intron variant (2).
Genome position (GRCh38, 1-based): chr14:41,891,430, T>C. VCF-style: chr14-41891430-T-C. GRCh37 (hg19) VCF-style: chr14-42360633-T-C.
Other names: c.1566T>C, p.Ser522= (NM_001346173.2); c.1385+3420T>C (NM_001330106.2, NM_001346175.2).
Identifiers: ClinVar variation 3060632 (VCV003060632.2), dbSNP rs6572117, ClinGen allele CA7165566.

ClinVar aggregate classification (germline): Benign (0 of 4 stars; one submission).

Conditions:
LRFN5-related disorder. Also called: LRFN5-related condition.

Allele frequency attached by ClinVar (database versions not stated): gnomAD 0.68762; TOPMed 0.69238; ExAC 0.69752; ESP Exome Variant Server 0.70029; 1000 Genomes Project 30x 0.70362; 1000 Genomes Project 0.70527.
gnomAD v4.1: 1,115,499 of 1,613,730 alleles (69%); highest among the groups gnomAD compares: Middle Eastern, 84%; 387,547 homozygotes.

Submission:

PreventionGenetics, part of Exact Sciences
Classification: Benign for LRFN5-related condition. Last evaluated: 2019-10-17. Review status: no assertion criteria provided. Collection method: clinical testing. Allele origin: germline.
Comment: This variant is classified as benign based on ACMG/AMP sequence variant interpretation guidelines (Richards et al. 2015 PMID: 25741868, with internal and published modifications).